The following is an entry in ClinVar:

ClinVar aggregate classification (germline): Uncertain significance (1 of 4 stars; one submission).

Conditions:
Spastic paraplegia 81, autosomal recessive. Identifiers: MedGen C5394033, MONDO:0032905, OMIM 618768.

Submission:

Department of Molecular Genetics, Istishari Arab Hospital
Classification: Uncertain significance for Spastic paraplegia 81, autosomal recessive. Last evaluated: 2025-08-25. Review status: criteria provided, single submitter. Criteria: ACMG Guidelines, 2015. Collection method: clinical testing. Allele origin: inherited. Inheritance: Autosomal recessive inheritance. Affected: yes.
Comment: The SELENOI variant c.352A>C, p.Thr118Pro causes an amino acid change from Thr to Pro at position 118. To the best of our knowledge, this variant was not previously reported in the literature. It is classified as a variant of uncertain significance based on ACMG/AMP/ClinGen SVI guidelines.

NM_033505.4(SELENOI):c.352A>C (p.Thr118Pro)

Gene: SELENOI (selenoprotein I; plus strand). Cytogenetic location: 2p23.3.
Variant type: single nucleotide variant.
Coding change: c.352A>C on transcript NM_033505.4 (MANE Select); coding-DNA position 352, A replaced by C.
Protein change: p.Thr118Pro; replaces threonine 118 with proline.
Molecular consequence: missense variant. On other transcripts: non-coding transcript variant (1).
Genome position (GRCh38, 1-based): chr2:26,373,408, A>C. VCF-style: chr2-26373408-A-C. GRCh37 (hg19) VCF-style: chr2-26596276-A-C.
Other names: p.Thr118Pro; short protein forms T118P.
Identifiers: ClinVar variation 4076151 (VCV004076151.1).